The following is an entry in ClinVar:

NM_004973.4(JARID2):c.1290_1307del (p.426QLREGL[1])

Gene: JARID2 (jumonji and AT-rich interaction domain containing 2; plus strand). Cytogenetic location: 6p22.3.
Variant type: Deletion.
Coding change: c.1290_1307del on transcript NM_004973.4 (MANE Select); coding-DNA positions 1290 to 1307, 18 bases deleted (CCTGCAGCTGCGGGAGGG).
Protein change: p.426QLREGL[1].
Genome position (GRCh38, 1-based): chr6:15,496,515-15,496,532, CCTGCAGCTGCGGGAGGG deleted; deleting any 18 consecutive bases within chr6:15,496,500-15,496,532 gives the same sequence; the c. name uses the placement nearest the transcript's 3' end. VCF-style (leftmost placement, unchanged base first): chr6-15496499-GGCAGCTGCGGGAGGGCCT-G. GRCh37 (hg19) VCF-style: chr6-15496730-GGCAGCTGCGGGAGGGCCT-G.
Other names: c.774_791del, p.254QLREGL[1] (NM_001267040.1).
Identifiers: ClinVar variation 3052069 (VCV003052069.2), dbSNP rs771140538, ClinGen allele CA3642836.
Genomic context (GRCh38, chr6:15,496,499, plus strand): 5'-ATGGCCTCAAGGTCAGTGGCAGGTTGAACCCAAAGTCATGCACTAAGGAGGTGGGGGGGC[GGCAGCTGCGGGAGGGCCT>G]GCAGCTGCGGGAGGGGCTGCGGAACTCCAAGAGGAGACTGGAAGAGGCACACCAGGCGGA-3'

ClinVar aggregate classification (germline): Likely benign (0 of 4 stars; one submission).

Conditions:
JARID2-related disorder. Also called: JARID2-related condition.

Submission:

PreventionGenetics, part of Exact Sciences
Classification: Likely benign for JARID2-related condition. Last evaluated: 2019-03-15. Review status: no assertion criteria provided. Collection method: clinical testing. Allele origin: germline.
Comment: This variant is classified as likely benign based on ACMG/AMP sequence variant interpretation guidelines (Richards et al. 2015 PMID: 25741868, with internal and published modifications).